The following is an entry in ClinVar:

ClinVar aggregate classification (germline): Uncertain significance (1 of 4 stars; one submission).

Conditions:
Hereditary cancer-predisposing syndrome. Also called: Neoplastic Syndromes, Hereditary; Tumor predisposition; Hereditary Cancer Syndrome; Hereditary neoplastic syndrome. Identifiers: Orphanet 140162, MedGen C0027672, MeSH D009386, MONDO:0015356.

Submission:

Ambry Genetics
Classification: Uncertain significance for Hereditary cancer-predisposing syndrome. Last evaluated: 2025-09-12. Review status: criteria provided, single submitter. Criteria: Ambry Variant Classification Scheme 2023. Collection method: clinical testing. Allele origin: germline.
Comment: The p.L259P variant (also known as c.776T>C), located in coding exon 8 of the TSC2 gene, results from a T to C substitution at nucleotide position 776. The leucine at codon 259 is replaced by proline, an amino acid with similar properties. This amino acid position is conserved. In addition, this alteration is predicted to be deleterious by in silico analysis. Based on the available evidence, the clinical significance of this variant remains unclear.

NM_000548.5(TSC2):c.776T>C (p.Leu259Pro)

Gene: TSC2 (TSC complex subunit 2; plus strand). Cytogenetic location: 16p13.3.
Variant type: single nucleotide variant.
Coding change: c.776T>C on transcript NM_000548.5 (MANE Select); coding-DNA position 776, T replaced by C.
Protein change: p.Leu259Pro; replaces leucine 259 with proline.
Molecular consequence: missense variant. On other transcripts: 5 prime UTR variant (10), non-coding transcript variant (5).
Genome position (GRCh38, 1-based): chr16:2,057,106, T>C. VCF-style: chr16-2057106-T-C. GRCh37 (hg19) VCF-style: chr16-2107107-T-C.
Other names: c.764T>C, p.Leu255Pro (NM_001406671.1, NM_001406673.1); c.629T>C, p.Leu210Pro (NM_001406675.1, NM_001406676.1, NM_001406679.1 and 1 more transcripts); c.719T>C, p.Leu240Pro (NM_001406677.1); c.665T>C, p.Leu222Pro (NM_001406678.1, NM_001406670.1, NM_001318827.2); c.176T>C, p.Leu59Pro (NM_001406680.1, NM_001406682.1, NM_001406683.1 and 6 more transcripts); c.314T>C, p.Leu105Pro (NM_001406681.1); c.-656T>C (NM_001406689.1, NM_001406690.1, NM_001406691.1 and 4 more transcripts); c.-537T>C (NM_001406694.1, NM_001406695.1); and 4 more; short protein forms L270P, L210P, L240P, L259P, L105P, L222P, L255P, L289P.
Identifiers: ClinVar variation 4192202 (VCV004192202.1).